The following is an entry in ClinVar:

NM_003072.5(SMARCA4):c.3873+5G>A

Gene: SMARCA4 (SWI/SNF related BAF chromatin remodeling complex subunit ATPase 4; plus strand). Cytogenetic location: 19p13.2.
Variant type: single nucleotide variant.
Coding change: c.3873+5G>A on transcript NM_003072.5 (MANE Select); 5 bases into the intron after coding-DNA position 3873, G replaced by A.
Molecular consequence: intron variant.
Genome position (GRCh38, 1-based): chr19:11,033,870, G>A. VCF-style: chr19-11033870-G-A. GRCh37 (hg19) VCF-style: chr19-11144546-G-A.
Other names: c.3873+5G>A (NM_001128844.3, NM_001128849.3); c.3775-253G>A (NM_001128847.4, NM_001374457.1, NM_001128845.2 and 2 more transcripts).
Identifiers: ClinVar variation 947088 (VCV000947088.7), dbSNP rs1057522951, ClinGen allele CA1139666280.
Genomic context (GRCh38, chr19:11,033,870, plus strand): 5'-ACACTGCCCCTCCGCCAGCGGGCGTCAACCCCGACTTGGAGGAGCCACCTCTAAAGGTGA[G>A]AGGGGTAGTTCAGTCTCCATGCCCATTCAATCCTCGGCTTCTCGGCTGAGACGGCCAGCA-3'

ClinVar aggregate classification (germline): Uncertain significance (1 of 4 stars; one submission).

Conditions:
Rhabdoid tumor predisposition syndrome 2 (RTPS2). Identifiers: Orphanet 231108, Orphanet 69077, MedGen C2750074, MONDO:0013224, OMIM 613325.

Submission:

Labcorp Genetics (formerly Invitae), Labcorp
Classification: Uncertain significance for Rhabdoid tumor predisposition syndrome 2. Last evaluated: 2019-08-16. Review status: criteria provided, single submitter. Criteria: Invitae Variant Classification Sherloc (09022015). Collection method: clinical testing. Allele origin: germline.
Comment: In summary, the available evidence is currently insufficient to determine the role of this variant in disease. Therefore, it has been classified as a Variant of Uncertain Significance. Nucleotide substitutions within the consensus splice site are a relatively common cause of aberrant splicing (PMID: 17576681, 9536098). Algorithms developed to predict the effect of sequence changes on RNA splicing suggest that this variant may disrupt the consensus splice site, but this prediction has not been confirmed by published transcriptional studies. This variant has not been reported in the literature in individuals with SMARCA4-related conditions. This variant is not present in population databases (ExAC no frequency). This sequence change falls in intron 27 of the SMARCA4 gene. It does not directly change the encoded amino acid sequence of the SMARCA4 protein, but it affects a nucleotide within the consensus splice site of the intron.

Literature cited by the submitters: PubMed 17576681; PubMed 9536098.